The following is an entry in ClinVar:

NM_001323289.2(CDKL5):c.456_457del (p.Cys152_Asp153delinsTer)

Gene: CDKL5 (cyclin dependent kinase like 5; plus strand). Cytogenetic location: Xp22.13.
Variant type: Microsatellite.
Coding change: c.456_457del on transcript NM_001323289.2 (MANE Select); coding-DNA positions 456 to 457, 2 bases deleted (TG; older notation c.456_457delTG).
Protein change: p.Cys152_Asp153delinsTer.
Molecular consequence: nonsense.
Genome position (GRCh38, 1-based): chrX:18,581,943-18,581,944, TG deleted; deleting any 2 consecutive bases within chrX:18,581,939-18,581,944 gives the same sequence; the c. name uses the placement nearest the transcript's 3' end. VCF-style (leftmost placement, unchanged base first): chrX-18581938-CTG-C. GRCh37 (hg19) VCF-style: chrX-18600058-CTG-C.
Other names: NM_001323289.2(CDKL5):c.456_457del; p.Cys152_Asp153delinsTer; c.456_457del, p.Cys152_Asp153delinsTer (NM_001037343.2, NM_003159.3).
Identifiers: ClinVar variation 1805791 (VCV001805791.2), dbSNP rs2518851383, ClinGen allele CA923726171.

ClinVar aggregate classification (germline): Pathogenic/Likely pathogenic. Review status: criteria provided, multiple submitters, no conflicts (2 of 4 stars). 2 submissions from 2 submitters: Pathogenic (1); Likely pathogenic (1). Last evaluated 2024-07-17.

Conditions:
CDKL5 disorder. Identifiers: MedGen CN296942, MONDO:0100039.
Developmental and epileptic encephalopathy, 2 (DEE2). Also called: CDKL5 deficiency disorder; INFANTILE SPASM SYNDROME, X-LINKED 2. Identifiers: Orphanet 1934, Orphanet 3451, Orphanet 505652, MedGen C4750718, MONDO:0010396, OMIM 300672.

Submissions (2):

Centre for Population Genomics, CPG
Classification: Likely pathogenic for CDKL5 disorder. Last evaluated: 2024-07-17. Review status: criteria provided, single submitter. Criteria: McKnight et al. (Hum Mutat. 2022). Collection method: curation. Allele origin: germline. Inheritance: X-linked inheritance.
Comment: This variant has been collected from RettBASE and curated to current modified ACMG/AMP criteria. Based on the classification scheme defined by the ClinGen Rett/Angelman-like Expert Panel for Rett/AS-like Disorders Specifications to the ACMG/AMP Variant Interpretation Guidelines VCEP 3.0, this variant is classified as likely pathogenic. At least the following criteria are met: Predicted to result in loss of function, and LOF is a known mechanism of disease (PVS1). This variant is absent from gnomAD (PM2_Supporting).

Victorian Clinical Genetics Services, Murdoch Childrens Research Institute
Classification: Pathogenic for Developmental and epileptic encephalopathy, 2. Last evaluated: 2020-05-21. Review status: criteria provided, single submitter. Criteria: ACMG Guidelines, 2015. Collection method: clinical testing. Allele origin: germline. Inheritance: X-linked dominant inheritance. Affected: yes.
Comment: A heterozygous nonsense variant was identified, NM_003159.2(CDKL5):c.456_457delTG in exon 7 of 21 of the CDKL5 gene. This nonsense variant is predicted to create a change of a cysteine to a stop at amino acid position 152 of the protein; NP_003150.1(CDKL5):p.(Cys152*), resulting in the loss of normal protein function through nonsense-mediated decay (NMD). The variant is not present in the gnomAD population database. The variant has been previously reported in a patient with CDKL5 disorder (Fehr, S. et al. (2015), RettBase). Other variants predicted to cause NMD have also been reported as pathogenic in individuals with CDKL5 disorder (ClinVar). Based on information available at the time of curation, this variant has been classified as PATHOGENIC. Legend: (P) - Pathogenic, (N) - Neutral, (B) - Benign

Literature cited by the submitters: PubMed 25657822 (cited by Victorian Clinical Genetics Services, Murdoch Childrens Research Institute).